The following is an entry in ClinVar:

ClinVar aggregate classification (germline): Likely benign. Review status: criteria provided, multiple submitters, no conflicts (2 of 4 stars). 3 submissions from 3 submitters: Likely benign (3). Last evaluated 2025-04-20.

Conditions:
Hypertrophic cardiomyopathy. Also called: HYPERTROPHIC MYOCARDIOPATHY. Identifiers: Orphanet 217569, MedGen C0007194, MeSH D002312, MONDO:0005045, HP:0001639.
Cardiomyopathy (CMYO). Also called: Cardiomyopathies. Identifiers: Orphanet 167848, MedGen C0878544, MONDO:0004994, HP:0001638. Inheritance: Various modes of inheritance.

Submissions (3):

Color Diagnostics, LLC DBA Color Health
Classification: Likely benign for Cardiomyopathy. Last evaluated: 2025-04-20. Review status: criteria provided, single submitter. Criteria: ACMG Guidelines, 2015. Collection method: clinical testing. Allele origin: germline.

Labcorp Genetics (formerly Invitae), Labcorp
Classification: Likely benign for Hypertrophic cardiomyopathy. Last evaluated: 2024-10-27. Review status: criteria provided, single submitter. Criteria: Invitae Variant Classification Sherloc (09022015). Collection method: clinical testing. Allele origin: germline.

GeneDx
Classification: Likely benign. Last evaluated: 2018-03-22. Review status: criteria provided, single submitter. Criteria: GeneDx Variant Classification (06012015). Collection method: clinical testing. Allele origin: germline. Affected: yes.
Comment: This variant is considered likely benign or benign based on one or more of the following criteria: it is a conservative change, it occurs at a poorly conserved position in the protein, it is predicted to be benign by multiple in silico algorithms, and/or has population frequency not consistent with disease.

NM_000257.4(MYH7):c.1878G>A (p.Gly626=)

Gene: MYH7 (myosin heavy chain 7; minus strand). Cytogenetic location: 14q11.2.
Variant type: single nucleotide variant.
Coding change: c.1878G>A on transcript NM_000257.4 (MANE Select); coding-DNA position 1878, G replaced by A.
Protein change: p.Gly626=; no amino-acid change (glycine 626 retained).
Molecular consequence: synonymous variant.
Genome position (GRCh38, 1-based): chr14:23,427,595, C>T on the plus strand (G>A on the coding strand, the complement: MYH7 is on the minus strand). VCF-style: chr14-23427595-C-T. GRCh37 (hg19) VCF-style: chr14-23896804-C-T.
Identifiers: ClinVar variation 681067 (VCV000681067.11), dbSNP rs1595085200, ClinGen allele CA485767074.